The following is an entry in ClinVar:

ClinVar aggregate classification (germline): Likely benign (1 of 4 stars; one submission).

gnomAD v4.1: 11 of 1,613,960 alleles (0.00068%); highest among the groups gnomAD compares: African/African-American, 0.0013%; no homozygotes.

Submission:

Mayo Clinic Laboratories, Mayo Clinic
Classification: Likely benign. Last evaluated: 2025-11-16. Review status: criteria provided, single submitter. Criteria: ACMG Guidelines, 2015. Collection method: clinical testing. Allele origin: germline. Observed: 1 variant allele.
Comment: BP4, BP7

NM_017837.4(PIGV):c.*1C>T

Gene: PIGV (phosphatidylinositol glycan anchor biosynthesis class V; plus strand). Cytogenetic location: 1p36.11.
Variant type: single nucleotide variant.
Coding change: c.*1C>T on transcript NM_017837.4 (MANE Select); 1 bases downstream of the stop codon, C replaced by T.
Molecular consequence: 3 prime UTR variant. On other transcripts: non-coding transcript variant (2).
Genome position (GRCh38, 1-based): chr1:26,797,845, C>T. VCF-style: chr1-26797845-C-T. GRCh37 (hg19) VCF-style: chr1-27124336-C-T.
Other names: c.*1C>T (NM_001202554.2, NM_001374478.1, NM_001374480.1 and 6 more transcripts).
Identifiers: ClinVar variation 4684790 (VCV004684790.1).